The following is an entry in ClinVar:

ClinVar aggregate classification (germline): Uncertain significance. Review status: criteria provided, multiple submitters, no conflicts (2 of 4 stars). 4 submissions from 4 submitters: Uncertain significance (4). Last evaluated 2025-02-20.

Conditions:
Inborn genetic diseases. Identifiers: MedGen C0950123, MeSH D030342.
Focal segmental glomerulosclerosis 3, susceptibility to (FSGS3). Identifiers: Orphanet 656, MedGen C1842982, MONDO:0011917, OMIM 607832.

Allele frequency attached by ClinVar (database versions not stated): gnomAD exomes 0.00001; gnomAD 0.00002; TOPMed 0.00002; ExAC 0.00003; 1000 Genomes Project 30x 0.00016; 1000 Genomes Project 0.00020.
gnomAD v4.1: 11 of 1,612,364 alleles (0.00068%); highest among the groups gnomAD compares: Admixed American, 0.015%; no homozygotes.

Submissions (4):

Mayo Clinic Laboratories, Mayo Clinic
Classification: Uncertain significance. Last evaluated: 2025-02-20. Review status: criteria provided, single submitter. Criteria: ACMG Guidelines, 2015. Collection method: clinical testing. Allele origin: germline. Observed: 1 variant allele.
Comment: BP4

Fulgent Genetics
Classification: Uncertain significance for Focal segmental glomerulosclerosis 3, susceptibility to. Last evaluated: 2024-06-14. Review status: criteria provided, single submitter. Criteria: ACMG Guidelines, 2015. Collection method: clinical testing. Allele origin: germline.

Labcorp Genetics (formerly Invitae), Labcorp
Classification: Uncertain significance. Last evaluated: 2023-10-03. Review status: criteria provided, single submitter. Criteria: Invitae Variant Classification Sherloc (09022015). Collection method: clinical testing. Allele origin: germline.
Comment: This sequence change replaces isoleucine, which is neutral and non-polar, with valine, which is neutral and non-polar, at codon 433 of the CD2AP protein (p.Ile433Val). This variant is present in population databases (rs199547303, gnomAD 0.02%). This variant has not been reported in the literature in individuals affected with CD2AP-related conditions. ClinVar contains an entry for this variant (Variation ID: 2178423). Advanced modeling of protein sequence and biophysical properties (such as structural, functional, and spatial information, amino acid conservation, physicochemical variation, residue mobility, and thermodynamic stability) performed at Invitae indicates that this missense variant is not expected to disrupt CD2AP protein function. In summary, the available evidence is currently insufficient to determine the role of this variant in disease. Therefore, it has been classified as a Variant of Uncertain Significance.

Ambry Genetics
Classification: Uncertain significance for Inborn genetic diseases. Last evaluated: 2023-01-10. Review status: criteria provided, single submitter. Criteria: Ambry Variant Classification Scheme 2023. Collection method: clinical testing. Allele origin: germline.

NM_012120.3(CD2AP):c.1297A>G (p.Ile433Val)

Gene: CD2AP (CD2 associated protein; plus strand). Cytogenetic location: 6p12.3.
Variant type: single nucleotide variant.
Coding change: c.1297A>G on transcript NM_012120.3 (MANE Select); coding-DNA position 1297, A replaced by G.
Protein change: p.Ile433Val; replaces isoleucine 433 with valine.
Molecular consequence: missense variant.
Genome position (GRCh38, 1-based): chr6:47,599,323, A>G. VCF-style: chr6-47599323-A-G. GRCh37 (hg19) VCF-style: chr6-47567059-A-G.
Other names: p.Ile433Val; c.1297A>G (NM_012120.2); short protein forms I433V.
Identifiers: ClinVar variation 2178423 (VCV002178423.8), dbSNP rs199547303, ClinGen allele CA3844299.